The following is an entry in ClinVar:

ClinVar aggregate classification (germline): Pathogenic (1 of 4 stars; one submission).

Conditions:
Hereditary cancer-predisposing syndrome. Also called: Hereditary neoplastic syndrome; Hereditary Cancer Syndrome; Neoplastic Syndromes, Hereditary; Tumor predisposition. Identifiers: Orphanet 140162, MedGen C0027672, MeSH D009386, MONDO:0015356.

Submission:

Ambry Genetics
Classification: Pathogenic for Hereditary cancer-predisposing syndrome. Last evaluated: 2023-05-23. Review status: criteria provided, single submitter. Criteria: Ambry Variant Classification Scheme 2023. Collection method: clinical testing. Allele origin: germline.
Comment: The c.286delG pathogenic mutation, located in coding exon 3 of the SDHD gene, results from a deletion of one nucleotide at nucleotide position 286, causing a translational frameshift with a predicted alternate stop codon (p.A96Lfs*39). This alteration occurs at the 3' terminus of theSDHD gene, is not expected to trigger nonsense-mediated mRNA decay, and only impacts the last 64 amino acids of the protein. However, premature stop codons are typically deleterious in nature, the impacted region is critical for protein function, and a significant portion of the protein is affected (Ambry internal data). This alteration has been observed in at least one individual with a personal and/or family history that is consistent with SDHD-related disease (Ambry internal data). This variant is considered to be rare based on population cohorts in the Genome Aggregation Database (gnomAD). Based on the supporting evidence, this alteration is interpreted as a disease-causing mutation.

NM_003002.4(SDHD):c.286del (p.Ala96fs)

Gene: SDHD (succinate dehydrogenase complex subunit D; plus strand). Cytogenetic location: 11q23.1.
Variant type: Deletion.
Coding change: c.286del on transcript NM_003002.4 (MANE Select); coding-DNA position 286, one base deleted (G; older notation c.286delG).
Protein change: p.Ala96fs; shifts the reading frame from alanine 96.
Molecular consequence: frameshift variant. On other transcripts: non-coding transcript variant (1), intron variant (1).
Genome position (GRCh38, 1-based): chr11:112,088,983, G deleted; the last of 2 consecutive G bases (chr11:112,088,982-112,088,983); deleting either gives the same sequence. VCF-style (leftmost placement, unchanged base first): chr11-112088981-TG-T. GRCh37 (hg19) VCF-style: chr11-111959705-TG-T.
Other names: c.169del, p.Ala57fs (NM_001276504.2); c.286del, p.Ala96fs (NM_001276506.2); c.169+1010del (NM_001276503.2); short protein forms A96fs, A57fs.
Identifiers: ClinVar variation 2567231 (VCV002567231.2), dbSNP rs2498905386, ClinGen allele CA2580615069.